The following is an entry in ClinVar:

ClinVar aggregate classification (germline): Uncertain significance. Review status: criteria provided, multiple submitters, no conflicts (2 of 4 stars). 3 submissions from 3 submitters: Uncertain significance (3). Last evaluated 2024-09-01.

Conditions:
Inborn genetic diseases. Identifiers: MedGen C0950123, MeSH D030342.

Allele frequency attached by ClinVar (database versions not stated): TOPMed 0.00001.
gnomAD v4.1: 19 of 1,529,664 alleles (0.0012%); highest among the groups gnomAD compares: Middle Eastern, 0.017%; no homozygotes.

Submissions (3):

CeGaT Center for Human Genetics Tuebingen
Classification: Uncertain significance. Last evaluated: 2024-09-01. Review status: criteria provided, single submitter. Criteria: CeGaT Center For Human Genetics Tuebingen Variant Classification Criteria Version 2. Collection method: clinical testing. Allele origin: germline. Affected: yes. Observed: 1 variant allele.
Comment: PIEZO1: PM2:Supporting

Mayo Clinic Laboratories, Mayo Clinic
Classification: Uncertain significance. Last evaluated: 2024-08-27. Review status: criteria provided, single submitter. Criteria: ACMG Guidelines, 2015. Collection method: clinical testing. Allele origin: germline. Observed: 1 variant allele.

Ambry Genetics
Classification: Uncertain significance for Inborn genetic diseases. Last evaluated: 2024-02-06. Review status: criteria provided, single submitter. Criteria: Ambry Variant Classification Scheme 2023. Collection method: clinical testing. Allele origin: germline.

NM_001142864.4(PIEZO1):c.2195G>A (p.Ser732Asn)

Genes: HSALR1 (HSP90AB1 associated lncRNA 1; plus strand), PIEZO1 (piezo type mechanosensitive ion channel component 1 (Er blood group); minus strand). Cytogenetic location: 16q24.3.
Variant type: single nucleotide variant.
Coding change: c.2195G>A on transcript NM_001142864.4 (MANE Select); coding-DNA position 2195, G replaced by A.
Protein change: p.Ser732Asn; replaces serine 732 with asparagine.
Molecular consequence: missense variant.
Genome position (GRCh38, 1-based): chr16:88,734,040, C>T on the plus strand (G>A on the coding strand, the complement: PIEZO1 is on the minus strand). VCF-style: chr16-88734040-C-T. GRCh37 (hg19) VCF-style: chr16-88800448-C-T.
Other names: p.Ser732Asn; c.740G>A, p.Ser247Asn (NM_014745.1); short protein forms S732N, S247N.
Identifiers: ClinVar variation 3212649 (VCV003212649.16), dbSNP rs1475224367, ClinGen allele CA397113167.